The following is an entry in ClinVar:

ClinVar aggregate classification (germline): Uncertain significance (1 of 4 stars; one submission).

Conditions:
Immunodeficiency 67. Also called: Immunodeficiency due to interleukin-1 receptor-associated kinase-4 deficiency. Identifiers: Orphanet 70592, MedGen C1843256, MONDO:0011888, OMIM 607676.

gnomAD v4.1: 6 of 1,604,268 alleles (0.00037%); highest among the groups gnomAD compares: African/African-American, 0.0027%; no homozygotes.

Submission:

Labcorp Genetics (formerly Invitae), Labcorp
Classification: Uncertain significance for Immunodeficiency 67. Last evaluated: 2025-10-03. Review status: criteria provided, single submitter. Criteria: Invitae Variant Classification Sherloc (09022015). Collection method: clinical testing. Allele origin: germline.
Comment: This sequence change replaces isoleucine, which is neutral and non-polar, with valine, which is neutral and non-polar, at codon 410 of the IRAK4 protein (p.Ile410Val). This variant is present in population databases (rs764868568, gnomAD 0.004%). This variant has not been reported in the literature in individuals affected with IRAK4-related conditions. Invitae Evidence Modeling of protein sequence and biophysical properties (such as structural, functional, and spatial information, amino acid conservation, physicochemical variation, residue mobility, and thermodynamic stability) indicates that this missense variant is not expected to disrupt IRAK4 protein function with a negative predictive value of 80%. In summary, the available evidence is currently insufficient to determine the role of this variant in disease. Therefore, it has been classified as a Variant of Uncertain Significance.

NM_016123.4(IRAK4):c.1228A>G (p.Ile410Val)

Gene: IRAK4 (interleukin 1 receptor associated kinase 4; plus strand). Cytogenetic location: 12q12.
Variant type: single nucleotide variant.
Coding change: c.1228A>G on transcript NM_016123.4 (MANE Select); coding-DNA position 1228, A replaced by G.
Protein change: p.Ile410Val; replaces isoleucine 410 with valine.
Molecular consequence: missense variant.
Genome position (GRCh38, 1-based): chr12:43,786,438, A>G. VCF-style: chr12-43786438-A-G. GRCh37 (hg19) VCF-style: chr12-44180241-A-G.
Other names: c.1228A>G, p.Ile410Val (NM_001114182.3, NM_001351345.2); c.856A>G, p.Ile286Val (NM_001145256.2, NM_001145257.2, NM_001145258.2 and 5 more transcripts); c.619A>G, p.Ile207Val (NM_001351343.2, NM_001351344.2); short protein forms I207V, I410V, I286V.
Identifiers: ClinVar variation 4692387 (VCV004692387.1).